The following is an entry in ClinVar:

NM_006306.4(SMC1A):c.302del (p.Gly101fs)

Gene: SMC1A (structural maintenance of chromosomes 1A; minus strand). Cytogenetic location: Xp11.22.
Variant type: Deletion.
Coding change: c.302del on transcript NM_006306.4 (MANE Select); coding-DNA position 302, one base deleted (G; older notation c.302delG).
Protein change: p.Gly101fs; shifts the reading frame from glycine 101.
Molecular consequence: frameshift variant.
Genome position (GRCh38, 1-based): chrX:53,414,867, C deleted on the plus strand (G on the coding strand, the reverse complement: SMC1A is on the minus strand); the first of 2 consecutive C bases (chrX:53,414,867-53,414,868); deleting either gives the same sequence. VCF-style (leftmost placement, unchanged base first): chrX-53414866-AC-A. GRCh37 (hg19) VCF-style: chrX-53441815-AC-A.
Other names: c.236del, p.Gly79fs (NM_001281463.1); short protein forms G101fs, G79fs.
Identifiers: ClinVar variation 1378122 (VCV001378122.6), dbSNP rs2146606566, ClinGen allele CA2573159054.

ClinVar aggregate classification (germline): Pathogenic (1 of 4 stars; one submission).

Conditions:
Congenital muscular hypertrophy-cerebral syndrome (CDLS2). Also called: SMC1A-Related Cornelia de Lange Syndrome; Cornelia de Lange syndrome 2. Identifiers: Orphanet 199, MedGen C1802395, MONDO:0010370, OMIM 300590.

Submission:

Labcorp Genetics (formerly Invitae), Labcorp
Classification: Pathogenic for Congenital muscular hypertrophy-cerebral syndrome. Last evaluated: 2025-03-03. Review status: criteria provided, single submitter. Criteria: Invitae Variant Classification Sherloc (09022015). Collection method: clinical testing. Allele origin: germline.
Comment: This sequence change creates a premature translational stop signal (p.Gly101Valfs*21) in the SMC1A gene. It is expected to result in an absent or disrupted protein product. Loss-of-function variants in SMC1A are known to be pathogenic (PMID: 26386245, 27334371, 28166369, 28548707, 31334757). This variant is not present in population databases (gnomAD no frequency). This variant has not been reported in the literature in individuals affected with SMC1A-related conditions. ClinVar contains an entry for this variant (Variation ID: 1378122). For these reasons, this variant has been classified as Pathogenic.

Literature cited by the submitters: PubMed 26386245; PubMed 27334371; PubMed 28166369; PubMed 28548707; PubMed 31334757.